The following is an entry in ClinVar:

NM_000742.4(CHRNA2):c.1262A>G (p.Asp421Gly)

Gene: CHRNA2 (cholinergic receptor nicotinic alpha 2 subunit; minus strand). Cytogenetic location: 8p21.2.
Variant type: single nucleotide variant.
Coding change: c.1262A>G on transcript NM_000742.4 (MANE Select); coding-DNA position 1262, A replaced by G.
Protein change: p.Asp421Gly; replaces aspartic acid 421 with glycine.
Molecular consequence: missense variant.
Genome position (GRCh38, 1-based): chr8:27,463,181, T>C on the plus strand (A>G on the coding strand, the complement: CHRNA2 is on the minus strand). VCF-style: chr8-27463181-T-C. GRCh37 (hg19) VCF-style: chr8-27320698-T-C.
Other names: c.1217A>G, p.Asp406Gly (NM_001282455.2); c.785A>G, p.Asp262Gly (NM_001347705.2, NM_001347706.2); c.668A>G, p.Asp223Gly (NM_001347707.2, NM_001347708.2); short protein forms D421G, D262G, D406G, D223G.
Identifiers: ClinVar variation 421926 (VCV000421926.8), dbSNP rs1064795452, ClinGen allele CA16618620.
Genomic context (GRCh38, chr8:27,463,181, plus strand): 5'-TGGCCGTGGCTGCAGAGGGTGCCCACAGAGGGGGCCACATGACCTGCACATGCCCATCTG[T>C]CCTCCTCCTCCACCACCACCTCCCTCTCCTCGGCATCCACGTTGCTCTCCAGCCAGTGAT-3'
Protein context (NP_000733.2, residues 411-431): EEREVVVEEE[Asp421Gly]RWACAGHVAP

ClinVar aggregate classification (germline): Uncertain significance. Review status: criteria provided, multiple submitters, no conflicts (2 of 4 stars). 2 submissions from 2 submitters: Uncertain significance (2). Last evaluated 2020-08-05.

Conditions:
Familial sleep-related hypermotor epilepsy. Also called: Autosomal Dominant Sleep-Related Hypermotor (Hyperkinetic) Epilepsy. Identifiers: Orphanet 98784, MedGen C3696898, MONDO:0000030.

Submissions (2):

Labcorp Genetics (formerly Invitae), Labcorp
Classification: Uncertain significance. Last evaluated: 2020-08-05. Review status: criteria provided, single submitter. Criteria: Invitae Variant Classification Sherloc (09022015). Collection method: clinical testing. Allele origin: germline.
Comment: In summary, the available evidence is currently insufficient to determine the role of this variant in disease. Therefore, it has been classified as a Variant of Uncertain Significance. Algorithms developed to predict the effect of missense changes on protein structure and function output the following: SIFT: "Tolerated"; PolyPhen-2: "Benign"; Align-GVGD: "Class C0". The glycine amino acid residue is found in multiple mammalian species, suggesting that this missense change does not adversely affect protein function. These predictions have not been confirmed by published functional studies and their clinical significance is uncertain. This variant has not been reported in the literature in individuals with CHRNA2-related conditions. ClinVar contains an entry for this variant (Variation ID: 421926). This variant is not present in population databases (ExAC no frequency). This sequence change replaces aspartic acid with glycine at codon 421 of the CHRNA2 protein (p.Asp421Gly). The aspartic acid residue is weakly conserved and there is a moderate physicochemical difference between aspartic acid and glycine.

GeneDx
Classification: Uncertain significance. Last evaluated: 2017-05-23. Review status: criteria provided, single submitter. Criteria: GeneDx Variant Classification (06012015). Collection method: clinical testing. Allele origin: germline. Affected: yes.
Comment: A variant of uncertain significance has been identified in the CHRNA2 gene. The D421G variant has not been published as a pathogenic variant, nor has it been reported as a benign variant to our knowledge. It was not observed in approximately 6,500 individuals of European and African American ancestry in the NHLBI Exome Sequencing Project, indicating it is not a common benign variant in these populations. The D421G variant is a non-conservative amino acid substitution, which is likely to impact secondary protein structure as these residues differ in polarity, charge, size, and/or other properties. However, this substitution occurs at a position that is not conserved, and in silico analysis predicts this variant likely does not alter the protein structure/function. Additionally, this amino acid substitution is not predicted to occur within the transmembrane region of the protein, where the vast majority of pathogenic missense variants have been identified in association with epilepsy (Steinlein et al., 2010). Therefore, based on the currently available information, it is unclear whether this variant is a pathogenic variant or a rare benign variant.